The following is an entry in ClinVar:

NM_001127222.2(CACNA1A):c.6775C>T (p.Arg2259Trp)

Genes: CACNA1A (calcium voltage-gated channel subunit alpha1 A; minus strand), LOC130063717 (ATAC-STARR-seq lymphoblastoid silent region 10203; plus strand). Cytogenetic location: 19p13.13.
Variant type: single nucleotide variant.
Coding change: c.6775C>T on transcript NM_001127222.2 (MANE Select); coding-DNA position 6775, C replaced by T.
Protein change: p.Arg2259Trp; replaces arginine 2259 with tryptophan.
Molecular consequence: missense variant.
Genome position (GRCh38, 1-based): chr19:13,208,761, G>A on the plus strand (C>T on the coding strand, the complement: CACNA1A is on the minus strand). VCF-style: chr19-13208761-G-A. GRCh37 (hg19) VCF-style: chr19-13319575-G-A.
Other names: c.6793C>T, p.Arg2265Trp (NM_000068.4, NM_023035.3); c.6778C>T, p.Arg2260Trp (NM_001127221.2); c.6784C>T, p.Arg2262Trp (NM_001174080.2); c.6775C>T (NM_001127222.1); short protein forms R2260W, R2259W, R2262W, R2265W.
Identifiers: ClinVar variation 422310 (VCV000422310.32), dbSNP rs750267834, ClinGen allele CA9239264.

ClinVar aggregate classification (germline): Uncertain significance. Review status: criteria provided, multiple submitters, no conflicts (2 of 4 stars). 8 submissions from 8 submitters: Uncertain significance (7). 1 of the submissions does not count toward it. Last evaluated 2025-06-16.

Conditions:
CACNA1A-related disorder. Also called: CACNA1A-related condition.
Developmental and epileptic encephalopathy, 42 (DEE42A). Also called: DEVELOPMENTAL AND EPILEPTIC ENCEPHALOPATHY 42A; EPILEPTIC ENCEPHALOPATHY, EARLY INFANTILE, 42A; Epileptic encephalopathy, early infantile, 42. Identifiers: MedGen C4310716, MONDO:0014917, OMIM 617106.
Episodic ataxia type 2 (EA2). Also called: ATAXIA, EPISODIC, WITH NYSTAGMUS; ATAXIA, FAMILIAL PAROXYSMAL; CEREBELLAR ATAXIA, PAROXYSMAL, ACETAZOLAMIDE-RESPONSIVE; CEREBELLOPATHY, HEREDITARY PAROXYSMAL; ACETAZOLAMIDE-RESPONSIVE HEREDITARY PAROXYSMAL CEREBELLAR ATAXIA; EPISODIC ATAXIA, NYSTAGMUS-ASSOCIATED. Identifiers: Orphanet 97, MedGen C1720416, MONDO:0007163, OMIM 108500.
Inborn genetic diseases. Identifiers: MedGen C0950123, MeSH D030342.
Migraine, familial hemiplegic, 1. Also called: MIGRAINE, FAMILIAL HEMIPLEGIC 1, WITH PROGRESSIVE CEREBELLAR ATAXIA. Identifiers: Orphanet 569, MedGen C1832884, MONDO:0020756, OMIM 141500, MONDO:0007714.

Allele frequency attached by ClinVar (database versions not stated): TOPMed 0.00001.
gnomAD v4.1: 33 of 1,574,614 alleles (0.0021%); highest among the groups gnomAD compares: Non-Finnish European, 0.0027%; no homozygotes.

Submissions (8):

Labcorp Genetics (formerly Invitae), Labcorp
Classification: Uncertain significance for Developmental and epileptic encephalopathy, 42; Episodic ataxia type 2. Last evaluated: 2025-06-16. Review status: criteria provided, single submitter. Criteria: Invitae Variant Classification Sherloc (09022015). Collection method: clinical testing. Allele origin: germline.
Comment: This sequence change replaces arginine, which is basic and polar, with tryptophan, which is neutral and slightly polar, at codon 2260 of the CACNA1A protein (p.Arg2260Trp). The frequency data for this variant in the population databases is considered unreliable, as metrics indicate poor data quality at this position in the gnomAD database. This variant has not been reported in the literature in individuals affected with CACNA1A-related conditions. ClinVar contains an entry for this variant (Variation ID: 422310). Invitae Evidence Modeling of protein sequence and biophysical properties (such as structural, functional, and spatial information, amino acid conservation, physicochemical variation, residue mobility, and thermodynamic stability) indicates that this missense variant is not expected to disrupt CACNA1A protein function with a negative predictive value of 95%. In summary, the available evidence is currently insufficient to determine the role of this variant in disease. Therefore, it has been classified as a Variant of Uncertain Significance.

CeGaT Center for Human Genetics Tuebingen
Classification: Uncertain significance. Last evaluated: 2025-05-01. Review status: criteria provided, single submitter. Criteria: CeGaT Center For Human Genetics Tuebingen Variant Classification Criteria Version 2. Collection method: clinical testing. Allele origin: germline. Affected: yes. Observed: 1 variant allele.
Comment: CACNA1A: PP3

Women's Health and Genetics/Laboratory Corporation of America, LabCorp
Classification: Uncertain significance. Last evaluated: 2025-03-13. Review status: criteria provided, single submitter. Criteria: LabCorp Variant Classification Summary - May 2015. Collection method: clinical testing. Allele origin: germline.
Comment: Variant summary: CACNA1A c.6778C>T (p.Arg2260Trp) results in a non-conservative amino acid change in the encoded protein sequence. Five of five in-silico tools predict a damaging effect of the variant on protein function. The variant allele was found at a frequency of 1e-05 in 198976 control chromosomes. The available data on variant occurrences in the general population are insufficient to allow any conclusion about variant significance. To our knowledge, no occurrence of c.6778C>T in individuals affected with Epileptic Encephalopathy, Early Infantile, 42 and no experimental evidence demonstrating its impact on protein function have been reported. ClinVar contains an entry for this variant (Variation ID: 422310). Based on the evidence outlined above, the variant was classified as uncertain significance.

GeneDx
Classification: Uncertain significance. Last evaluated: 2024-05-24. Review status: criteria provided, single submitter. Criteria: GeneDx Variant Classification Process June 2021. Collection method: clinical testing. Allele origin: germline. Affected: yes.
Comment: Not observed at significant frequency in large population cohorts (gnomAD); In silico analysis supports that this missense variant has a deleterious effect on protein structure/function; Has not been previously published as pathogenic or benign to our knowledge

Revvity Omics, Revvity
Classification: Uncertain significance. Last evaluated: 2022-03-14. Review status: criteria provided, single submitter. Criteria: ACMG Guidelines, 2015. Collection method: clinical testing. Allele origin: germline.

Ambry Genetics
Classification: Uncertain significance for Inborn genetic diseases. Last evaluated: 2017-10-19. Review status: criteria provided, single submitter. Criteria: Ambry Variant Classification Scheme 2023. Collection method: clinical testing. Allele origin: germline.
Comment: The p.R2260W variant (also known as c.6778C>T), located in coding exon 46 of the CACNA1A gene, results from a C to T substitution at nucleotide position 6778. The arginine at codon 2260 is replaced by tryptophan, an amino acid with dissimilar properties. This amino acid position is highly conserved in available vertebrate species. In addition, the in silico prediction for this alteration is inconclusive. Since supporting evidence is limited at this time, the clinical significance of this alteration remains unclear.

Institute for Medical Genetics and Human Genetics, Charité - Universitätsmedizin Berlin
Classification: Uncertain significance for Migraine, familial hemiplegic, 1. Review status: criteria provided, single submitter. Criteria: ACMG Guidelines, 2015. Collection method: not provided. Allele origin: germline. Affected: yes.

PreventionGenetics, part of Exact Sciences
Classification: Uncertain significance for CACNA1A-related condition. Last evaluated: 2023-12-15. Review status: no assertion criteria provided. Collection method: clinical testing. Allele origin: germline. Not counted in ClinVar's aggregate classification.
Comment: The CACNA1A c.6775C>T variant is predicted to result in the amino acid substitution p.Arg2259Trp. To our knowledge, this variant has not been reported in the literature. This variant is reported in 0.0022% of alleles in individuals of European (Non-Finnish) descent in gnomAD. At this time, the clinical significance of this variant is uncertain due to the absence of conclusive functional and genetic evidence.